The following is an entry in ClinVar:

ClinVar aggregate classification (germline): Benign/Likely benign. Review status: criteria provided, multiple submitters, no conflicts (2 of 4 stars). 10 submissions from 9 submitters: Benign (2); Likely benign (7). 1 of the submissions does not count toward it. Last evaluated 2026-06-01.

Conditions:
SYNE1-related disorder. Also called: SYNE1-related disorders; SYNE1-related disease; SYNE1-related condition.
Autosomal recessive ataxia, Beauce type. Also called: ATAXIA, RECESSIVE, OF BEAUCE; Spinocerebellar ataxia, autosomal recessive 8; SYNE1-Related Autosomal Recessive Cerebellar Ataxia; SYNE1 Deficiency. Identifiers: Orphanet 88644, MedGen C1853116, MONDO:0012549, OMIM 610743.
Emery-Dreifuss muscular dystrophy 4, autosomal dominant (EDMD4). Also called: EMERY-DREIFUSS MUSCULAR DYSTROPHY 4 WITH VARIABLE FEATURES. Identifiers: Orphanet 261, MedGen C2751807, MONDO:0013071, OMIM 612998.

Allele frequency attached by ClinVar (database versions not stated): gnomAD exomes 0.00026 and 0.00046; ExAC 0.00047; 1000 Genomes Project 30x 0.00172; 1000 Genomes Project 0.00200; ESP Exome Variant Server 0.00208; TOPMed 0.00257.
gnomAD v4.1: 732 of 1,613,672 alleles (0.045%); highest among the groups gnomAD compares: African/African-American, 0.86%; 1 homozygote.

Submissions (10):

CeGaT Center for Human Genetics Tuebingen
Classification: Likely benign. Last evaluated: 2026-06-01. Review status: criteria provided, single submitter. Criteria: CeGaT Center For Human Genetics Tuebingen Variant Classification Criteria Version 2. Collection method: clinical testing. Allele origin: germline. Affected: yes. Observed: 1 variant allele.
Comment: SYNE1: BP4

Labcorp Genetics (formerly Invitae), Labcorp
Classification: Likely benign for Emery-Dreifuss muscular dystrophy 4, autosomal dominant; Autosomal recessive ataxia, Beauce type. Last evaluated: 2026-01-12. Review status: criteria provided, single submitter. Criteria: Invitae Variant Classification Sherloc (09022015). Collection method: clinical testing. Allele origin: germline.

Mayo Clinic Laboratories, Mayo Clinic
Classification: Likely benign. Last evaluated: 2025-02-26. Review status: criteria provided, single submitter. Criteria: ACMG Guidelines, 2015. Collection method: clinical testing. Allele origin: germline. Observed: 3 variant alleles.
Comment: BS1, BP4

Athena Diagnostics
Classification: Benign. Last evaluated: 2025-01-30. Review status: criteria provided, single submitter. Criteria: Athena Diagnostics Criteria. Collection method: clinical testing. Allele origin: unknown.
Comment: The frequency of this variant in the general population is higher than would generally be expected for pathogenic variants in this gene. Computational tools predict this amino acid change may be benign.

Blueprint Genetics
Classification: Likely benign. Last evaluated: 2024-10-16. Review status: criteria provided, single submitter. Criteria: ACMG Guidelines, 2015. Collection method: clinical testing. Allele origin: germline.

GeneDx
Classification: Likely benign. Last evaluated: 2021-03-10. Review status: criteria provided, single submitter. Criteria: GeneDx Variant Classification Process June 2021. Collection method: clinical testing. Allele origin: germline. Affected: yes.
Comment: This variant is associated with the following publications: (PMID: 28017257)

Illumina Laboratory Services, Illumina
Classification: Likely benign for Autosomal recessive ataxia, Beauce type. Last evaluated: 2018-01-13. Review status: criteria provided, single submitter. Criteria: ICSL Variant Classification Criteria 13 December 2019. Collection method: clinical testing. Allele origin: germline.
Comment: This variant was observed in the ICSL laboratory as part of a predisposition screen in an ostensibly healthy population. It had not been previously curated by ICSL or reported in the Human Gene Mutation Database (HGMD: prior to June 1st, 2018), and was therefore a candidate for classification through an automated scoring system. Utilizing variant allele frequency, disease prevalence and penetrance estimates, and inheritance mode, an automated score was calculated to assess if this variant is too frequent to cause the disease. Based on the score and internal cut-off values, a variant classified as likely benign is not then subjected to further curation. The score for this variant resulted in a classification of likely benign for this disease.

Illumina Laboratory Services, Illumina
Classification: Benign for Emery-Dreifuss muscular dystrophy 4, autosomal dominant. Last evaluated: 2018-01-13. Review status: criteria provided, single submitter. Criteria: ICSL Variant Classification Criteria 13 December 2019. Collection method: clinical testing. Allele origin: germline.
Comment: This variant was observed in the ICSL laboratory as part of a predisposition screen in an ostensibly healthy population. It had not been previously curated by ICSL or reported in the Human Gene Mutation Database (HGMD: prior to June 1st, 2018), and was therefore a candidate for classification through an automated scoring system. Utilizing variant allele frequency, disease prevalence and penetrance estimates, and inheritance mode, an automated score was calculated to assess if this variant is too frequent to cause the disease. Based on the score and internal cut-off values, a variant classified as benign is not then subjected to further curation. The score for this variant resulted in a classification of benign for this disease.

Eurofins Ntd Llc (ga)
Classification: Likely benign. Last evaluated: 2015-11-11. Review status: criteria provided, single submitter. Criteria: EGL Classification Definitions 2015. Collection method: clinical testing. Allele origin: germline. Observed: 2 variant alleles, 2 heterozygotes.

PreventionGenetics, part of Exact Sciences
Classification: Likely benign for SYNE1-related condition. Last evaluated: 2021-05-12. Review status: no assertion criteria provided. Collection method: clinical testing. Allele origin: germline. Not counted in ClinVar's aggregate classification.
Comment: This variant is classified as likely benign based on ACMG/AMP sequence variant interpretation guidelines (Richards et al. 2015 PMID: 25741868, with internal and published modifications).

Literature cited by the submitters: PubMed 28017257 (cited by Mayo Clinic Laboratories, Mayo Clinic and Athena Diagnostics); PubMed 30119932 (cited by Athena Diagnostics); PubMed 30275942 (cited by Athena Diagnostics).

NM_182961.4(SYNE1):c.14091G>T (p.Met4697Ile)

Gene: SYNE1 (spectrin repeat containing nuclear envelope protein 1; minus strand). Cytogenetic location: 6q25.2.
Variant type: single nucleotide variant.
Coding change: c.14091G>T on transcript NM_182961.4 (MANE Select); coding-DNA position 14091, G replaced by T.
Protein change: p.Met4697Ile; replaces methionine 4697 with isoleucine.
Molecular consequence: missense variant.
Genome position (GRCh38, 1-based): chr6:152,330,594, C>A on the plus strand (G>T on the coding strand, the complement: SYNE1 is on the minus strand). VCF-style: chr6-152330594-C-A. GRCh37 (hg19) VCF-style: chr6-152651729-C-A.
Other names: p.Met4626Ile; c.13878G>T, p.Met4626Ile (NM_033071.5); short protein forms M4626I, M4697I.
Identifiers: ClinVar variation 284031 (VCV000284031.30), dbSNP rs141141950, ClinGen allele CA4056075.